The following is an entry in ClinVar:

ClinVar aggregate classification (germline): Likely benign. Review status: criteria provided, multiple submitters, no conflicts (2 of 4 stars). 2 submissions from 2 submitters: Likely benign (2). Last evaluated 2025-10-22.

Conditions:
Hepatic methionine adenosyltransferase deficiency. Also called: Methionine adenosyltransferase deficiency; Deficiency of methionine adenosyltransferase; Isolated Persistent Hypermethioninemia; MAT I/III DEFICIENCY. Identifiers: Orphanet 168598, MedGen C0268621, MeSH C564683, MONDO:0009607, OMIM 250850.

gnomAD v4.1: 72 of 1,614,002 alleles (0.0045%); highest among the groups gnomAD compares: Middle Eastern, 0.099%; no homozygotes.

Submissions (2):

Labcorp Genetics (formerly Invitae), Labcorp
Classification: Likely benign for Hepatic methionine adenosyltransferase deficiency. Last evaluated: 2025-10-22. Review status: criteria provided, single submitter. Criteria: Invitae Variant Classification Sherloc (09022015). Collection method: clinical testing. Allele origin: germline.

CeGaT Center for Human Genetics Tuebingen
Classification: Likely benign. Last evaluated: 2023-02-01. Review status: criteria provided, single submitter. Criteria: CeGaT Center For Human Genetics Tuebingen Variant Classification Criteria Version 2. Collection method: clinical testing. Allele origin: germline. Affected: yes. Observed: 1 variant allele.
Comment: MAT1A: BP4, BP7

NM_000429.3(MAT1A):c.174A>T (p.Thr58=)

Gene: MAT1A (methionine adenosyltransferase 1A; minus strand). Cytogenetic location: 10q22.3.
Variant type: single nucleotide variant.
Coding change: c.174A>T on transcript NM_000429.3 (MANE Select); coding-DNA position 174, A replaced by T.
Protein change: p.Thr58=; no amino-acid change (threonine 58 retained).
Molecular consequence: synonymous variant.
Genome position (GRCh38, 1-based): chr10:80,284,034, T>A on the plus strand (A>T on the coding strand, the complement: MAT1A is on the minus strand). VCF-style: chr10-80284034-T-A. GRCh37 (hg19) VCF-style: chr10-82043790-T-A.
Identifiers: ClinVar variation 1576928 (VCV001576928.32), dbSNP rs146794319, ClinGen allele CA5576861.